The following is an entry in ClinVar:

ClinVar aggregate classification (germline): Likely benign (1 of 4 stars; one submission).

Conditions:
Immunodeficiency 67. Also called: Immunodeficiency due to interleukin-1 receptor-associated kinase-4 deficiency. Identifiers: Orphanet 70592, MedGen C1843256, MONDO:0011888, OMIM 607676.

Allele frequency attached by ClinVar (database versions not stated): gnomAD 0.00232; 1000 Genomes Project 0.00319; TOPMed 0.00363; 1000 Genomes Project 30x 0.00375.
gnomAD v4.1: 525 of 152,354 alleles (0.34%); highest among the groups gnomAD compares: Middle Eastern, 1.7%; 3 homozygotes.

Submission:

Illumina Laboratory Services, Illumina
Classification: Likely benign for Immunodeficiency 67. Last evaluated: 2018-01-12. Review status: criteria provided, single submitter. Criteria: ICSL Variant Classification Criteria 13 December 2019. Collection method: clinical testing. Allele origin: germline.
Comment: This variant was observed in the ICSL laboratory as part of a predisposition screen in an ostensibly healthy population. It had not been previously curated by ICSL or reported in the Human Gene Mutation Database (HGMD: prior to June 1st, 2018), and was therefore a candidate for classification through an automated scoring system. Utilizing variant allele frequency, disease prevalence and penetrance estimates, and inheritance mode, an automated score was calculated to assess if this variant is too frequent to cause the disease. Based on the score and internal cut-off values, a variant classified as likely benign is not then subjected to further curation. The score for this variant resulted in a classification of likely benign for this disease.

NM_016123.4(IRAK4):c.*989T>G

Gene: IRAK4 (interleukin 1 receptor associated kinase 4; plus strand). Cytogenetic location: 12q12.
Variant type: single nucleotide variant.
Coding change: c.*989T>G on transcript NM_016123.4 (MANE Select); 989 bases downstream of the stop codon, T replaced by G.
Molecular consequence: 3 prime UTR variant.
Genome position (GRCh38, 1-based): chr12:43,787,704, T>G. VCF-style: chr12-43787704-T-G. GRCh37 (hg19) VCF-style: chr12-44181507-T-G.
Other names: c.*989T>G (NM_001114182.3, NM_001145256.2, NM_001145257.2 and 9 more transcripts).
Identifiers: ClinVar variation 308742 (VCV000308742.5), dbSNP rs4251584, ClinGen allele CA10632785.